The following is an entry in ClinVar:

NM_001042492.3(NF1):c.5549T>G (p.Val1850Gly)

Gene: NF1 (neurofibromin 1; plus strand). Cytogenetic location: 17q11.2.
Variant type: single nucleotide variant.
Coding change: c.5549T>G on transcript NM_001042492.3 (MANE Select); coding-DNA position 5549, T replaced by G.
Protein change: p.Val1850Gly; replaces valine 1850 with glycine.
Molecular consequence: missense variant.
Genome position (GRCh38, 1-based): chr17:31,327,779, T>G. VCF-style: chr17-31327779-T-G. GRCh37 (hg19) VCF-style: chr17-29654797-T-G.
Other names: c.5486T>G, p.Val1829Gly (NM_000267.4); short protein forms V1850G, V1829G.
Identifiers: ClinVar variation 938664 (VCV000938664.7), dbSNP rs1555533637, ClinGen allele CA399009866.

ClinVar aggregate classification (germline): Uncertain significance. Review status: criteria provided, multiple submitters, no conflicts (2 of 4 stars). 2 submissions from 2 submitters: Uncertain significance (2). Last evaluated 2024-04-30.

Conditions:
Neurofibromatosis, type 1 (NF1). Also called: Peripheral type neurofibromatosis; VON RECKLINGHAUSEN DISEASE; Neurofibromatosis, type I; NEUROFIBROMATOSIS, TYPE I, SOMATIC. Identifiers: Orphanet 636, MedGen C0027831, MONDO:0018975, OMIM 162200. Disease mechanism: loss of function.

Submissions (2):

GeneDx
Classification: Uncertain significance. Last evaluated: 2024-04-30. Review status: criteria provided, single submitter. Criteria: GeneDx Variant Classification Process June 2021. Collection method: clinical testing. Allele origin: germline. Affected: yes.
Comment: Not observed at significant frequency in large population cohorts (gnomAD); In silico analysis supports that this missense variant has a deleterious effect on protein structure/function; Has not been previously published as pathogenic or benign to our knowledge

Labcorp Genetics (formerly Invitae), Labcorp
Classification: Uncertain significance for Neurofibromatosis, type 1. Last evaluated: 2024-03-13. Review status: criteria provided, single submitter. Criteria: Invitae Variant Classification Sherloc (09022015). Collection method: clinical testing. Allele origin: germline.
Comment: This sequence change replaces valine, which is neutral and non-polar, with glycine, which is neutral and non-polar, at codon 1829 of the NF1 protein (p.Val1829Gly). This variant is not present in population databases (gnomAD no frequency). This variant has not been reported in the literature in individuals affected with NF1-related conditions. ClinVar contains an entry for this variant (Variation ID: 938664). Advanced modeling of protein sequence and biophysical properties (such as structural, functional, and spatial information, amino acid conservation, physicochemical variation, residue mobility, and thermodynamic stability) performed at Invitae indicates that this missense variant is expected to disrupt NF1 protein function with a positive predictive value of 95%. In summary, the available evidence is currently insufficient to determine the role of this variant in disease. Therefore, it has been classified as a Variant of Uncertain Significance.